The following is an entry in ClinVar:

ClinVar aggregate classification (germline): Uncertain significance. Review status: criteria provided, multiple submitters, no conflicts (2 of 4 stars). 8 submissions from 8 submitters: Uncertain significance (8). Last evaluated 2024-09-29.

Conditions:
Hypertrophic cardiomyopathy 1 (CMH1). Also called: MYH7-Related Familial Hypertrophic Cardiomyopathy; Familial hypertrophic cardiomyopathy 1. Identifiers: MedGen C3495498, MONDO:0008647, OMIM 192600.
Hypertrophic cardiomyopathy. Also called: HYPERTROPHIC MYOCARDIOPATHY. Identifiers: Orphanet 217569, MedGen C0007194, MeSH D002312, MONDO:0005045, HP:0001639.
Hypertrophic cardiomyopathy 4. Also called: Familial hypertrophic cardiomyopathy 4. Identifiers: MedGen C1861862, MONDO:0007268, OMIM 115197.
Left ventricular noncompaction 10 (LVNC10). Identifiers: Orphanet 154, Orphanet 54260, MedGen C3715165, MONDO:0014163, OMIM 615396.
Cardiomyopathy (CMYO). Also called: Cardiomyopathies. Identifiers: Orphanet 167848, MedGen C0878544, MONDO:0004994, HP:0001638. Inheritance: Various modes of inheritance.

Allele frequency attached by ClinVar (database versions not stated): gnomAD exomes 0.00001 and 0.00002; ExAC 0.00006; gnomAD 0.00001; TOPMed below 0.00001.

Submissions (8):

Labcorp Genetics (formerly Invitae), Labcorp
Classification: Uncertain significance for Hypertrophic cardiomyopathy. Last evaluated: 2024-09-29. Review status: criteria provided, single submitter. Criteria: Invitae Variant Classification Sherloc (09022015). Collection method: clinical testing. Allele origin: germline.
Comment: This sequence change replaces threonine, which is neutral and polar, with methionine, which is neutral and non-polar, at codon 1095 of the MYBPC3 protein (p.Thr1095Met). The frequency data for this variant in the population databases is considered unreliable, as metrics indicate poor data quality at this position in the gnomAD database. This missense change has been observed in individual(s) with hypertrophic cardiomyopathy (PMID: 30297972, 33148509, 37652022). ClinVar contains an entry for this variant (Variation ID: 407315). An algorithm developed to predict the effect of missense changes on protein structure and function (PolyPhen-2) suggests that this variant is likely to be disruptive. In summary, the available evidence is currently insufficient to determine the role of this variant in disease. Therefore, it has been classified as a Variant of Uncertain Significance.

All of Us Research Program, National Institutes of Health
Classification: Uncertain significance for Hypertrophic cardiomyopathy. Last evaluated: 2024-05-14. Review status: criteria provided, single submitter. Criteria: ACMG Guidelines, 2015. Collection method: clinical testing. Allele origin: germline. Inheritance: Autosomal dominant inheritance. Observed: 5 variant alleles, 5 heterozygotes.
Comment: This missense variant replaces threonine with methionine at codon 1095 of the MYBPC3 protein. Computational prediction suggests that this variant may not impact protein structure and function (internally defined REVEL score threshold <= 0.5, PMID: 27666373). Splice site prediction tools suggest that this variant may not impact RNA splicing. To our knowledge, functional studies have not been performed for this variant. This variant has been reported in two related individuals affected with hypertrophic cardiomyopathy (Furqan, 2015). This variant has also been identified in 5/206520 chromosomes in the general population by the Genome Aggregation Database (gnomAD). The available evidence is insufficient to determine the role of this variant in disease conclusively. Therefore, this variant is classified as a Variant of Uncertain Significance.

This study involves interpretation of variants in research participants for the purpose of population health screening. Participant phenotype was not available at the time of variant classification. Additional details can be found in publication PMID: 35346344, PMCID: PMC8962531

Color Diagnostics, LLC DBA Color Health
Classification: Uncertain significance for Cardiomyopathy. Last evaluated: 2024-03-14. Review status: criteria provided, single submitter. Criteria: ACMG Guidelines, 2015. Collection method: clinical testing. Allele origin: germline.
Comment: This missense variant replaces threonine with methionine at codon 1095 of the MYBPC3 protein. Computational prediction tools indicate that this variant has a neutral impact on protein structure and function. To our knowledge, functional studies have not been reported for this variant. This variant has been reported in three individuals affected with hypertrophic cardiomyopathy (PMID: 32841044, 33148509; Furqan 2015, dissertation, Careggi University). This variant has been identified in 5/206520 chromosomes in the general population by the Genome Aggregation Database (gnomAD). The available evidence is insufficient to determine the role of this variant in disease conclusively. Therefore, this variant is classified as a Variant of Uncertain Significance.

Clinical Genomics Laboratory, Stanford Medicine
Classification: Uncertain significance for Left ventricular noncompaction 10; Hypertrophic cardiomyopathy 4. Last evaluated: 2022-01-19. Review status: criteria provided, single submitter. Criteria: ACMG Guidelines, 2015. Collection method: clinical testing. Allele origin: germline. Observed: 1 variant allele, 1 heterozygote.
Comment: The p.Thr1095Met variant in the MYBPC3 gene has been previously reported in 1 individual from a cohort tested for hypertrophic cardiomyopathy (Ho et al., 2018). This variant has also been identified in 2/26,012 South Asian chromosomes by the Genome Aggregation Database. Computational tools predict that this variant does not impact protein function; however, the accuracy of in silico algorithms is limited. These data were assessed using the ACMG/AMP variant interpretation guidelines. In summary, the significance of the p.Thr1095Met variant is uncertain. Additional information is needed to resolve the significance of this variant. [ACMG evidence codes used: PM2]

Molecular Diagnostic Laboratory for Inherited Cardiovascular Disease, Montreal Heart Institute
Classification: Uncertain significance for Hypertrophic cardiomyopathy 1. Last evaluated: 2020-02-03. Review status: criteria provided, single submitter. Criteria: ACMG Guidelines, 2015. Collection method: clinical testing. Allele origin: germline. Affected: yes.

CHEO Genetics Diagnostic Laboratory, Children's Hospital of Eastern Ontario
Classification: Uncertain significance for Cardiomyopathy. Last evaluated: 2019-09-04. Review status: criteria provided, single submitter. Criteria: ACMG Guidelines, 2015. Collection method: clinical testing. Allele origin: germline.

GeneDx
Classification: Uncertain significance. Last evaluated: 2017-06-08. Review status: criteria provided, single submitter. Criteria: GeneDx Variant Classification (06012015). Collection method: clinical testing. Allele origin: germline. Affected: yes.
Comment: A variant of uncertain significance has been identified in the MYBPC3 gene. The T1095M variant has not been published as pathogenic or been reported as benign to our knowledge. This variant is not observed at a significant frequency in large population cohorts (Lek et al., 2016; 1000 Genomes Consortium et al., 2015; Exome Variant Server). The T1095M variant is a non-conservative amino acid substitution, which is likely to impact secondary protein structure as these residues differ in polarity, charge, size and/or other properties. However, this substitution occurs at a position that is only conserved in mammals. In silico analysis is inconsistent in its predictions as to whether or not the variant is damaging to the protein structure/function.

Stanford Center for Inherited Cardiovascular Disease, Stanford University
Classification: Uncertain significance. Last evaluated: 2016-09-08. Review status: criteria provided, single submitter. Criteria: ACMG Guidelines, 2015. Collection method: provider interpretation. Allele origin: germline.

Literature cited by the submitters: PubMed 30297972 (cited by Labcorp Genetics (formerly Invitae), Labcorp and Clinical Genomics Laboratory, Stanford Medicine); PubMed 33148509 (cited by Labcorp Genetics (formerly Invitae), Labcorp and Color Diagnostics, LLC DBA Color Health); PubMed 37652022 (cited by Labcorp Genetics (formerly Invitae), Labcorp); PubMed 32841044 (cited by Color Diagnostics, LLC DBA Color Health).

NM_000256.3(MYBPC3):c.3284C>T (p.Thr1095Met)

Gene: MYBPC3 (myosin binding protein C3; minus strand). Cytogenetic location: 11p11.2.
Variant type: single nucleotide variant.
Coding change: c.3284C>T on transcript NM_000256.3 (MANE Select); coding-DNA position 3284, C replaced by T.
Protein change: p.Thr1095Met; replaces threonine 1095 with methionine.
Molecular consequence: missense variant.
Genome position (GRCh38, 1-based): chr11:47,333,240, G>A on the plus strand (C>T on the coding strand, the complement: MYBPC3 is on the minus strand). VCF-style: chr11-47333240-G-A. GRCh37 (hg19) VCF-style: chr11-47354791-G-A.
Other names: c.3284C>T, p.Thr1095Met (LRG_386t1); short protein forms T1095M.
Identifiers: ClinVar variation 407315 (VCV000407315.25), dbSNP rs755653624, ClinGen allele CA079262.
Genomic context (GRCh38, chr11:47,333,240, plus strand): 5'-GACCCTGGGCTCACCATGGTCTTCTTGTCGGCTTTCTGCACTGTGTACCCCCAGAGCTCC[G>A]TGTTGCCGACATCCTGGGGTGGCTTCCACTCCAGAGCCACATTAAGACCCCAGGCGTCAG-3'
Protein context (NP_000247.2, residues 1085-1105): EWKPPQDVGN[Thr1095Met]ELWGYTVQKA